The following is an entry in ClinVar:

ClinVar aggregate classification (germline): Conflicting classifications of pathogenicity. Review status: criteria provided, conflicting classifications (1 of 4 stars). 2 submissions from 2 submitters: Uncertain significance (1); Likely benign (1). Last evaluated 2021-10-12.

Conditions:
Hereditary breast ovarian cancer syndrome. Also called: Hereditary breast and ovarian cancer syndrome; Hereditary breast and ovarian cancer; Hereditary breast and ovarian cancer syndrome (HBOC); Breast and ovarian cancer; Hereditary breast and/or ovarian cancer syndrome; BRCA1- and BRCA2-Associated Hereditary Breast and Ovarian Cancer. Identifiers: Orphanet 145, MedGen C0677776, MeSH D061325, MONDO:0003582. Disease mechanism: loss of function.
Hereditary cancer-predisposing syndrome. Also called: Neoplastic Syndromes, Hereditary; Tumor predisposition; Hereditary Cancer Syndrome; Hereditary neoplastic syndrome. Identifiers: Orphanet 140162, MedGen C0027672, MeSH D009386, MONDO:0015356.

Allele frequency attached by ClinVar (database versions not stated): TOPMed below 0.00001.

Submissions (2):

Labcorp Genetics (formerly Invitae), Labcorp
Classification: Uncertain significance for Hereditary breast ovarian cancer syndrome. Last evaluated: 2021-10-12. Review status: criteria provided, single submitter. Criteria: Invitae Variant Classification Sherloc (09022015). Collection method: clinical testing. Allele origin: germline.
Comment: This sequence change replaces asparagine with serine at codon 111 of the BRCA2 protein (p.Asn111Ser). The asparagine residue is weakly conserved and there is a small physicochemical difference between asparagine and serine. In summary, the available evidence is currently insufficient to determine the role of this variant in disease. Therefore, it has been classified as a Variant of Uncertain Significance. Advanced modeling of protein sequence and biophysical properties (such as structural, functional, and spatial information, amino acid conservation, physicochemical variation, residue mobility, and thermodynamic stability) performed at Invitae indicates that this missense variant is not expected to disrupt BRCA2 protein function. ClinVar contains an entry for this variant (Variation ID: 481591). This variant has not been reported in the literature in individuals affected with BRCA2-related conditions. This variant is not present in population databases (ExAC no frequency).

Ambry Genetics
Classification: Likely benign for Hereditary cancer-predisposing syndrome. Last evaluated: 2017-01-25. Review status: criteria provided, single submitter. Criteria: Ambry Variant Classification Scheme 2023. Collection method: clinical testing. Allele origin: germline.

NM_000059.4(BRCA2):c.332A>G (p.Asn111Ser)

Gene: BRCA2 (BRCA2 DNA repair associated; plus strand). Cytogenetic location: 13q13.1.
Variant type: single nucleotide variant.
Coding change: c.332A>G on transcript NM_000059.4 (MANE Select); coding-DNA position 332, A replaced by G.
Protein change: p.Asn111Ser; replaces asparagine 111 with serine.
Molecular consequence: missense variant.
Genome position (GRCh38, 1-based): chr13:32,325,091, A>G. VCF-style: chr13-32325091-A-G. GRCh37 (hg19) VCF-style: chr13-32899228-A-G.
Other names: short protein forms N111S.
Identifiers: ClinVar variation 481591 (VCV000481591.11), dbSNP rs1555280840, ClinGen allele CA387756537.